The following is an entry in ClinVar:

NM_005921.2(MAP3K1):c.4107T>C (p.Asp1369=)

Gene: MAP3K1 (mitogen-activated protein kinase kinase kinase 1; plus strand). Cytogenetic location: 5q11.2.
Variant type: single nucleotide variant.
Coding change: c.4107T>C on transcript NM_005921.2 (MANE Select); coding-DNA position 4107, T replaced by C.
Protein change: p.Asp1369=; no amino-acid change (aspartic acid 1369 retained).
Molecular consequence: synonymous variant.
Genome position (GRCh38, 1-based): chr5:56,886,056, T>C. VCF-style: chr5-56886056-T-C. GRCh37 (hg19) VCF-style: chr5-56181883-T-C.
Identifiers: ClinVar variation 734484 (VCV000734484.10), dbSNP rs373835578, ClinGen allele CA3273316.

ClinVar aggregate classification (germline): Likely benign. Review status: criteria provided, single submitter (1 of 4 stars). 2 submissions from 2 submitters: Likely benign (1). 1 of the submissions does not count toward it. Last evaluated 2020-08-29.

Conditions:
MAP3K1-related disorder. Also called: MAP3K1-related condition.
46,XY sex reversal 6. Also called: 46,XY SEX REVERSAL, PARTIAL OR COMPLETE, MAP3K1-RELATED; 46,XY GONADAL DYSGENESIS, PARTIAL OR COMPLETE, MAP3K1-RELATED. Identifiers: MedGen C3151064, MONDO:0013410, OMIM 613762.

Allele frequency attached by ClinVar (database versions not stated): gnomAD 0.00003 and 0.00004; gnomAD exomes 0.00007 and 0.00006; ExAC 0.00008; ESP Exome Variant Server 0.00008; TOPMed 0.00009.
gnomAD v4.1: 106 of 1,611,978 alleles (0.0066%); highest among the groups gnomAD compares: Non-Finnish European, 0.0086%; no homozygotes.

Submissions (2):

Labcorp Genetics (formerly Invitae), Labcorp
Classification: Likely benign for 46,XY sex reversal 6. Last evaluated: 2020-08-29. Review status: criteria provided, single submitter. Criteria: Invitae Variant Classification Sherloc (09022015). Collection method: clinical testing. Allele origin: germline.

PreventionGenetics, part of Exact Sciences
Classification: Likely benign for MAP3K1-related condition. Last evaluated: 2019-10-28. Review status: no assertion criteria provided. Collection method: clinical testing. Allele origin: germline. Not counted in ClinVar's aggregate classification.
Comment: This variant is classified as likely benign based on ACMG/AMP sequence variant interpretation guidelines (Richards et al. 2015 PMID: 25741868, with internal and published modifications).